The following is an entry in ClinVar:

NM_001083603.3(PTCH1):c.86_87delinsC (p.Gly29fs)

Gene: PTCH1 (patched 1; minus strand). Cytogenetic location: 9q22.32.
Variant type: Indel.
Coding change: c.86_87delinsC on transcript NM_001083603.3 (MANE Plus Clinical); coding-DNA positions 86 to 87, GT replaced by C.
Protein change: p.Gly29fs; shifts the reading frame from glycine 29.
Molecular consequence: frameshift variant. On other transcripts: 5 prime UTR variant (2).
Genome position (GRCh38, 1-based): chr9:95,516,734-95,516,735, AC replaced by G on the plus strand (GT replaced by C on the coding strand, the reverse complement: PTCH1 is on the minus strand). VCF-style: chr9-95516734-AC-G. GRCh37 (hg19) VCF-style: chr9-98279016-AC-G.
Other names: c.-264_-263delinsC (NM_001083602.3, NM_001354919.2); short protein forms G29fs.
Identifiers: ClinVar variation 4813133 (VCV004813133.1).

ClinVar aggregate classification (germline): Uncertain significance (1 of 4 stars; one submission).

Conditions:
Basal cell nevus syndrome 1 (BCNS1). Also called: GORLIN-GOLTZ SYNDROME; MULTIPLE BASAL CELL NEVI, ODONTOGENIC KERATOCYSTS, AND SKELETAL ANOMALIES. Identifiers: MedGen CN376810, MONDO:0958174, OMIM 109400.

Submission:

St. Jude Molecular Pathology, St. Jude Children's Research Hospital
Classification: Uncertain significance for Basal cell nevus syndrome 1. Last evaluated: 2026-02-11. Review status: criteria provided, single submitter. Criteria: St. Jude Assertion Criteria 2020. Collection method: clinical testing. Allele origin: germline.
Comment: The PTCH1 c.86_87delinsC p.(Gly29AlafsTer50) change deletes two nucleotides and inserts one nucleotide to cause a frameshift and the creation of a premature stop codon. This va riant occurs in an exon that is unique to a longer PTCH1 transcript (NM_001083603.2) and which has been reported to be expressed at low levels in human tissues (PMID: 15780749). In the PTCH1 MANE select transcript (NM_000264.5), this variant is present i n the 5Ã¢ € ™ UTR region. This variant is absent in gnomAD v2.1.1. To our knowledge, this variant has not been reported in individuals with nevoid basal cell carcinoma syndrome. In summary, the evidence currently avai lable is insufficient to determine the clinical significance of this variant. It has therefore been classified as of uncertain significance.